The following is an entry in ClinVar:

NM_004977.3(KCNC3):c.811C>T (p.Arg271Cys)

Genes: KCNC3 (potassium voltage-gated channel subfamily C member 3; minus strand), LOC130064972 (ATAC-STARR-seq lymphoblastoid silent region 10954; plus strand). Cytogenetic location: 19q13.33.
Variant type: single nucleotide variant.
Coding change: c.811C>T on transcript NM_004977.3 (MANE Select); coding-DNA position 811, C replaced by T.
Protein change: p.Arg271Cys; replaces arginine 271 with cysteine.
Molecular consequence: missense variant.
Genome position (GRCh38, 1-based): chr19:50,328,272, G>A on the plus strand (C>T on the coding strand, the complement: KCNC3 is on the minus strand). VCF-style: chr19-50328272-G-A. GRCh37 (hg19) VCF-style: chr19-50831529-G-A.
Other names: c.583C>T, p.Arg195Cys (NM_001372305.1); short protein forms R195C, R271C.
Identifiers: ClinVar variation 5039314 (VCV005039314.1).

ClinVar aggregate classification (germline): Uncertain significance (1 of 4 stars; one submission).

gnomAD v4.1: 13 of 1,187,956 alleles (0.0011%); highest among the groups gnomAD compares: Middle Eastern, 0.034%; no homozygotes.

Submission:

CeGaT Center for Human Genetics Tuebingen
Classification: Uncertain significance. Last evaluated: 2026-08-01. Review status: criteria provided, single submitter. Criteria: CeGaT Center For Human Genetics Tuebingen Variant Classification Criteria Version 2. Collection method: clinical testing. Allele origin: germline. Affected: yes. Observed: 1 variant allele.
Comment: KCNC3: PP3